The following is an entry in ClinVar:

NM_000475.5(NR0B1):c.1286_1295del (p.Leu429fs)

Gene: NR0B1 (nuclear receptor subfamily 0 group B member 1; minus strand). Cytogenetic location: Xp21.2.
Variant type: Deletion.
Coding change: c.1286_1295del on transcript NM_000475.5 (MANE Select); coding-DNA positions 1286 to 1295, 10 bases deleted (TTAATAGTAC; older notation c.1286_1295delTTAATAGTAC).
Protein change: p.Leu429fs; shifts the reading frame from leucine 429.
Molecular consequence: frameshift variant.
Genome position (GRCh38, 1-based): chrX:30,304,697-30,304,706, GTACTATTAA deleted on the plus strand (TTAATAGTAC on the coding strand, the reverse complement: NR0B1 is on the minus strand); deleting any 10 consecutive bases within chrX:30,304,697-30,304,708 gives the same sequence; the c. name uses the placement nearest the transcript's 3' end. VCF-style (leftmost placement, unchanged base first): chrX-30304696-GGTACTATTAA-G. GRCh37 (hg19) VCF-style: chrX-30322813-GGTACTATTAA-G.
Other names: short protein forms L429fs.
Identifiers: ClinVar variation 2014691 (VCV002014691.4), dbSNP rs2519049357, ClinGen allele CA2580100535.

ClinVar aggregate classification (germline): Pathogenic (1 of 4 stars; one submission).

Conditions:
Congenital adrenal hypoplasia, X-linked (AHC). Also called: ADRENAL HYPOPLASIA, CONGENITAL, WITH HYPOGONADOTROPIC HYPOGONADISM; X-linked AHC; X-Linked Adrenal Hypoplasia Congenita; Isolated X-Linked Adrenal Hypoplasia Congenita. Identifiers: Orphanet 95702, MedGen C0342482, MONDO:0010264, OMIM 300200. Disease mechanism: loss of function.
46,XY sex reversal 2. Also called: 46,XY SEX REVERSAL, DAX1-RELATED; NR0B1-Related 46,XY CGD; NR0B1-related 46,XY complete gonadal dysgenesis; 46XY sex reversal 2, dosage-sensitive; Dosage-sensitive sex reversal. Identifiers: MedGen C1848296, MONDO:0010226, OMIM 300018.

Submission:

Labcorp Genetics (formerly Invitae), Labcorp
Classification: Pathogenic for Congenital adrenal hypoplasia, X-linked; 46,XY sex reversal 2. Last evaluated: 2022-07-06. Review status: criteria provided, single submitter. Criteria: Invitae Variant Classification Sherloc (09022015). Collection method: clinical testing. Allele origin: germline.
Comment: For these reasons, this variant has been classified as Pathogenic. This variant disrupts a region of the NR0B1 protein in which other variant(s) (p.Ser431Ilefs*6) have been determined to be pathogenic (PMID: 7609262). This suggests that this is a clinically significant region of the protein, and that variants that disrupt it are likely to be disease-causing. This variant has not been reported in the literature in individuals affected with NR0B1-related conditions. This variant is not present in population databases (gnomAD no frequency). This sequence change creates a premature translational stop signal (p.Leu429Profs*5) in the NR0B1 gene. While this is not anticipated to result in nonsense mediated decay, it is expected to disrupt the last 42 amino acid(s) of the NR0B1 protein.

Literature cited by the submitters: PubMed 7609262.